The following is an entry in ClinVar:

ClinVar aggregate classification (germline): Uncertain significance (1 of 4 stars; one submission).

gnomAD v4.1: 1 of 1,303,836 alleles (0.000077%); highest among the groups gnomAD compares: Non-Finnish European, 0.0001%; no homozygotes.

Submission:

Greenwood Genetic Center Diagnostic Laboratories, Greenwood Genetic Center
Classification: Uncertain significance. Last evaluated: 2024-07-11. Review status: criteria provided, single submitter. Criteria: ACMG Guidelines, 2015. Collection method: clinical testing. Allele origin: germline. Affected: yes.
Comment: PM2

NM_001291815.2(HMCN2):c.5573A>G (p.Asn1858Ser)

Gene: HMCN2 (hemicentin 2; plus strand). Cytogenetic location: 9q34.11.
Variant type: single nucleotide variant.
Coding change: c.5573A>G on transcript NM_001291815.2 (MANE Select); coding-DNA position 5573, A replaced by G.
Protein change: p.Asn1858Ser; replaces asparagine 1858 with serine.
Molecular consequence: missense variant.
Genome position (GRCh38, 1-based): chr9:130,357,981, A>G. VCF-style: chr9-130357981-A-G. GRCh37 (hg19) VCF-style: chr9-133233368-A-G.
Other names: short protein forms N1858S.
Identifiers: ClinVar variation 3765775 (VCV003765775.1).
Genomic context (GRCh38, chr9:130,357,981, plus strand): 5'-TGCCCACCCCAAGCCTCCGTTGGTGGAAGGATGGTGTAGCCCTGGCAGCCTTTGGGGGGA[A>G]CCTACAGGTATGTGCAGGGGCCCCAGGGCTGGCAAGCCAGCTGGGCACAGGTGGAGGGGC-3'
Protein context (NP_001278744.1, residues 1848-1868): DGVALAAFGG[Asn1858Ser]LQIEKVDLRD